The following is an entry in ClinVar:

ClinVar aggregate classification (germline): Benign/Likely benign. Review status: criteria provided, multiple submitters, no conflicts (2 of 4 stars). 4 submissions from 4 submitters: Benign (1); Likely benign (2). 1 of the submissions does not count toward it. Last evaluated 2026-01-14.

Conditions:
Cardiovascular phenotype. Identifiers: MedGen CN230736.
RASopathy. Also called: rasopathies; Noonan spectrum disorder. Identifiers: Orphanet 536391, MedGen C5555857, MONDO:0021060.
CBL-related disorder. Also called: NOONAN SYNDROME-LIKE DISORDER WITHOUT JUVENILE MYELOMONOCYTIC LEUKEMIA; CBL MUTATION-ASSOCIATED SYNDROME; CBL SYNDROME. Identifiers: Orphanet 363972, MedGen C3150803, MONDO:0013308, OMIM 613563.

Allele frequency attached by ClinVar (database versions not stated): gnomAD 0.00002 and 0.00003; gnomAD exomes 0.00002 and 0.00008; TOPMed 0.00003; ExAC 0.00006.
gnomAD v4.1: 37 of 1,614,172 alleles (0.0023%); highest among the groups gnomAD compares: East Asian, 0.062%; no homozygotes.

Submissions (4):

Labcorp Genetics (formerly Invitae), Labcorp
Classification: Benign for RASopathy. Last evaluated: 2026-01-14. Review status: criteria provided, single submitter. Criteria: Invitae Variant Classification Sherloc (09022015). Collection method: clinical testing. Allele origin: germline.

Blueprint Genetics
Classification: Likely benign. Last evaluated: 2024-05-22. Review status: criteria provided, single submitter. Criteria: ACMG Guidelines, 2015. Collection method: clinical testing. Allele origin: germline.

Ambry Genetics
Classification: Likely benign for Cardiovascular phenotype. Last evaluated: 2024-03-07. Review status: criteria provided, single submitter. Criteria: Ambry Variant Classification Scheme 2023. Collection method: clinical testing. Allele origin: germline.

PreventionGenetics, part of Exact Sciences
Classification: Likely benign for CBL-related condition. Last evaluated: 2021-01-08. Review status: no assertion criteria provided. Collection method: clinical testing. Allele origin: germline. Not counted in ClinVar's aggregate classification.
Comment: This variant is classified as likely benign based on ACMG/AMP sequence variant interpretation guidelines (Richards et al. 2015 PMID: 25741868, with internal and published modifications).

NM_005188.4(CBL):c.1777C>T (p.Arg593Trp)

Gene: CBL (Cbl proto-oncogene; plus strand). Cytogenetic location: 11q23.3.
Variant type: single nucleotide variant.
Coding change: c.1777C>T on transcript NM_005188.4 (MANE Select); coding-DNA position 1777, C replaced by T.
Protein change: p.Arg593Trp; replaces arginine 593 with tryptophan.
Molecular consequence: missense variant.
Genome position (GRCh38, 1-based): chr11:119,285,402, C>T. VCF-style: chr11-119285402-C-T. GRCh37 (hg19) VCF-style: chr11-119156112-C-T.
Other names: c.1777C>T (NM_005188.3, NM_005188.2); short protein forms R593W.
Identifiers: ClinVar variation 1653003 (VCV001653003.12), dbSNP rs776999573, ClinGen allele CA6318604.